The following is an entry in ClinVar:

ClinVar aggregate classification (germline): Conflicting classifications of pathogenicity. Review status: criteria provided, conflicting classifications (1 of 4 stars). 10 submissions from 6 submitters: Uncertain significance (7); Likely benign (3). Last evaluated 2025-03-01.

Conditions:
Early-onset myopathy with fatal cardiomyopathy (CMYO5). Also called: Salih Myopathy; CONGENITAL MYOPATHY 5 WITH CARDIOMYOPATHY. Identifiers: Orphanet 289377, MedGen C2673677, MONDO:0012714, OMIM 611705. Disease mechanism: loss of function.
Dilated cardiomyopathy 1G (CMD1G). Identifiers: Orphanet 154, MedGen C1858763, MONDO:0011400, OMIM 604145.
Autosomal recessive limb-girdle muscular dystrophy type 2J (LGMDR10). Also called: Limb-girdle muscular dystrophy, type 2J; MUSCULAR DYSTROPHY, LIMB-GIRDLE, AUTOSOMAL RECESSIVE 10. Identifiers: Orphanet 140922, MedGen C1837342, MONDO:0012127, OMIM 608807.
Myopathy, myofibrillar, 9, with early respiratory failure (MFM9). Also called: EDSTROM MYOPATHY; MYOPATHY, PROXIMAL, WITH EARLY RESPIRATORY MUSCLE INVOLVEMENT; Myopathy, distal, with early respiratory failure, autosomal dominant; Hereditary myopathy with early respiratory failure. Identifiers: Orphanet 178464, Orphanet 34521, MedGen C1863599, MONDO:0011362, OMIM 603689.
Tibial muscular dystrophy (TMD). Also called: Tibial muscular dystrophy, tardive; UDD MYOPATHY; Udd Distal Myopathy – Tibial Muscular Dystrophy. Identifiers: Orphanet 609, MedGen C1838244, MONDO:0010870, OMIM 600334.

Allele frequency attached by ClinVar (database versions not stated): ExAC 0.00002; gnomAD 0.00003 and 0.00009; gnomAD exomes 0.00003; ESP Exome Variant Server 0.00008; TOPMed 0.00010.
gnomAD v4.1: 43 of 1,613,470 alleles (0.0027%); highest among the groups gnomAD compares: South Asian, 0.0066%; no homozygotes.

Submissions (10):

CeGaT Center for Human Genetics Tuebingen
Classification: Uncertain significance. Last evaluated: 2025-03-01. Review status: criteria provided, single submitter. Criteria: CeGaT Center For Human Genetics Tuebingen Variant Classification Criteria Version 2. Collection method: clinical testing. Allele origin: germline. Affected: yes. Observed: 1 variant allele.
Comment: TTN: PM2, BP4

Blueprint Genetics
Classification: Likely benign. Last evaluated: 2024-02-19. Review status: criteria provided, single submitter. Criteria: ACMG Guidelines, 2015. Collection method: clinical testing. Allele origin: germline.

Revvity Omics, Revvity
Classification: Uncertain significance. Last evaluated: 2021-07-13. Review status: criteria provided, single submitter. Criteria: ACMG Guidelines, 2015. Collection method: clinical testing. Allele origin: germline.

Illumina Laboratory Services, Illumina
Classification: Likely benign for Tibial muscular dystrophy. Last evaluated: 2018-01-13. Review status: criteria provided, single submitter. Criteria: ICSL Variant Classification Criteria 13 December 2019. Collection method: clinical testing. Allele origin: germline.
Comment: This variant was observed in the ICSL laboratory as part of a predisposition screen in an ostensibly healthy population. It had not been previously curated by ICSL or reported in the Human Gene Mutation Database (HGMD: prior to June 1st, 2018), and was therefore a candidate for classification through an automated scoring system. Utilizing variant allele frequency, disease prevalence and penetrance estimates, and inheritance mode, an automated score was calculated to assess if this variant is too frequent to cause the disease. Based on the score and internal cut-off values, a variant classified as likely benign is not then subjected to further curation. The score for this variant resulted in a classification of likely benign for this disease.

Illumina Laboratory Services, Illumina
Classification: Likely benign for Myopathy, myofibrillar, 9, with early respiratory failure. Last evaluated: 2018-01-13. Review status: criteria provided, single submitter. Criteria: ICSL Variant Classification Criteria 13 December 2019. Collection method: clinical testing. Allele origin: germline.
Comment: the same text as in the submission from Illumina Laboratory Services, Illumina above.

Illumina Laboratory Services, Illumina
Classification: Uncertain significance for Early-onset myopathy with fatal cardiomyopathy. Last evaluated: 2018-01-13. Review status: criteria provided, single submitter. Criteria: ICSL Variant Classification Criteria 13 December 2019. Collection method: clinical testing. Allele origin: germline.

Illumina Laboratory Services, Illumina
Classification: Uncertain significance for Dilated cardiomyopathy 1G. Last evaluated: 2018-01-13. Review status: criteria provided, single submitter. Criteria: ICSL Variant Classification Criteria 13 December 2019. Collection method: clinical testing. Allele origin: germline.

Illumina Laboratory Services, Illumina
Classification: Uncertain significance for Autosomal recessive limb-girdle muscular dystrophy type 2J. Last evaluated: 2018-01-13. Review status: criteria provided, single submitter. Criteria: ICSL Variant Classification Criteria 13 December 2019. Collection method: clinical testing. Allele origin: germline.

Eurofins Ntd Llc (ga)
Classification: Uncertain significance. Last evaluated: 2017-07-10. Review status: criteria provided, single submitter. Criteria: EGL Classification Definitions 2015. Collection method: clinical testing. Allele origin: germline. Observed: 1 variant allele, 1 heterozygote.

GeneDx
Classification: Uncertain significance. Last evaluated: 2015-12-14. Review status: criteria provided, single submitter. Criteria: GeneDx Variant Classification (06012015). Collection method: clinical testing. Allele origin: germline. Affected: yes.
Comment: Missense variants in the TTN gene are considered 'unclassified' if they are not previously reported in the literature and do not have >1% frequency in the population to be considered a polymorphism. Research indicates that truncating mutations in the TTN gene are expected to account for approximately 25% of familial and 18% of sporadic idiopathic DCM; however, truncating variants in the TTN gene have been reported in approximately 3% of reported control alleles. There has been little investigation into non-truncating variants. (Herman D et al. Truncations of titin causing dilated cardiomyopathy. N Eng J Med 366:619-628, 2012) The variant is found in DCM panel(s).

NM_001267550.2(TTN):c.105755G>A (p.Arg35252Gln)

Genes: TTN (titin; minus strand), TTN-AS1 (TTN antisense RNA 1; plus strand), LOC129935183 (ATAC-STARR-seq lymphoblastoid active region 16808; plus strand). Cytogenetic location: 2q31.2.
Variant type: single nucleotide variant.
Coding change: c.105755G>A on transcript NM_001267550.2 (MANE Select); coding-DNA position 105755, G replaced by A.
Protein change: p.Arg35252Gln; replaces arginine 35252 with glutamine.
Molecular consequence: missense variant.
Genome position (GRCh38, 1-based): chr2:178,530,860, C>T on the plus strand (G>A on the coding strand, the complement: TTN is on the minus strand). VCF-style: chr2-178530860-C-T. GRCh37 (hg19) VCF-style: chr2-179395587-C-T.
Other names: p.R33611Q:CGA>CAA; c.100832G>A, p.Arg33611Gln (NM_001256850.1); c.78560G>A, p.Arg26187Gln (NM_003319.4); c.98051G>A, p.Arg32684Gln (NM_133378.4); c.78935G>A, p.Arg26312Gln (NM_133432.3); c.79136G>A, p.Arg26379Gln (NM_133437.4); short protein forms R33611Q, R35252Q, R32684Q, R26187Q, R26312Q, R26379Q.
Identifiers: ClinVar variation 203100 (VCV000203100.20), dbSNP rs368151146, ClinGen allele CA311238.
Genomic context (GRCh38, chr2:178,530,860, plus strand): 5'-GTTGGTTTTGTCTCTGTGGGTGATACGGCTTTCGGGTGAGAAGGTTCTGGAGATTTCACT[C>T]GTTTTGGAGACTTAACTGCTTCTGGGGATTTCACCCGAGGCTCTGGGGATTTGACTCTTG-3'
Protein context (NP_001254479.2, residues 35242-35262): KSPEAVKSPK[Arg35252Gln]VKSPEPSHPK